The following is an entry in ClinVar:

ClinVar aggregate classification (germline): Uncertain significance (1 of 4 stars; one submission).

Conditions:
Generalized epilepsy-paroxysmal dyskinesia syndrome (PNKD3). Also called: Paroxysmal nonkinesigenic dyskinesia, 3, with or without generalized epilepsy; Generalized epilepsy and paroxysmal dyskinesia. Identifiers: Orphanet 79137, MedGen C5574945, MONDO:0012276, OMIM 609446.

gnomAD v4.1: 2 of 1,613,888 alleles (0.00012%); highest among the groups gnomAD compares: Non-Finnish European, 0.00017%; no homozygotes.

Submission:

Labcorp Genetics (formerly Invitae), Labcorp
Classification: Uncertain significance for Generalized epilepsy-paroxysmal dyskinesia syndrome. Last evaluated: 2022-12-02. Review status: criteria provided, single submitter. Criteria: Invitae Variant Classification Sherloc (09022015). Collection method: clinical testing. Allele origin: germline.
Comment: This sequence change replaces alanine, which is neutral and non-polar, with valine, which is neutral and non-polar, at codon 870 of the KCNMA1 protein (p.Ala870Val). In summary, the available evidence is currently insufficient to determine the role of this variant in disease. Therefore, it has been classified as a Variant of Uncertain Significance. Advanced modeling of protein sequence and biophysical properties (such as structural, functional, and spatial information, amino acid conservation, physicochemical variation, residue mobility, and thermodynamic stability) performed at Invitae indicates that this missense variant is not expected to disrupt KCNMA1 protein function. ClinVar contains an entry for this variant (Variation ID: 1415686). This variant has not been reported in the literature in individuals affected with KCNMA1-related conditions. This variant is not present in population databases (gnomAD no frequency).

NM_001161352.2(KCNMA1):c.2783C>T (p.Ala928Val)

Genes: KCNMA1-AS1 (KCNMA1 antisense RNA 1; plus strand), KCNMA1 (potassium calcium-activated channel subfamily M alpha 1; minus strand). Cytogenetic location: 10q22.3.
Variant type: single nucleotide variant.
Coding change: c.2783C>T on transcript NM_001161352.2 (MANE Select); coding-DNA position 2783, C replaced by T.
Protein change: p.Ala928Val; replaces alanine 928 with valine.
Molecular consequence: missense variant.
Genome position (GRCh38, 1-based): chr10:76,944,892, G>A on the plus strand (C>T on the coding strand, the complement: KCNMA1 is on the minus strand). VCF-style: chr10-76944892-G-A. GRCh37 (hg19) VCF-style: chr10-78704650-G-A.
Other names: c.2621C>T, p.Ala874Val (NM_001014797.3, NM_001322835.2, NM_001322837.2); c.2732C>T, p.Ala911Val (NM_001161353.2); c.2459C>T, p.Ala820Val (NM_001271518.2); c.2618C>T, p.Ala873Val (NM_001271519.2, NM_001322829.2, NM_001322836.2); c.2630C>T, p.Ala877Val (NM_001322830.2); c.2609C>T, p.Ala870Val (NM_001322832.2, NM_002247.4); c.2156C>T, p.Ala719Val (NM_001322838.2); short protein forms A719V, A870V, A877V, A928V, A820V, A873V, A874V, A911V.
Identifiers: ClinVar variation 1415686 (VCV001415686.8), dbSNP rs2152885647, ClinGen allele CA377405562.
Genomic context (GRCh38, chr10:76,944,892, plus strand): 5'-AGTGACGCCAAGATGCATTCCTTGTCCTGCAGCGAAGTATCATCAATATTATTCTGATTG[G>A]CTGACAGGATAACGCACATGTCACAGAGGTTGATGTTGACAGCCCTTAAATCAGCCCGAC-3'
Protein context (NP_001154824.1, residues 918-938): NLCDMCVILS[Ala928Val]NQNNIDDTSL